The following is an entry in ClinVar:

NM_001042492.3(NF1):c.4072C>A (p.Pro1358Thr)

Gene: NF1 (neurofibromin 1; plus strand). Cytogenetic location: 17q11.2.
Variant type: single nucleotide variant.
Coding change: c.4072C>A on transcript NM_001042492.3 (MANE Select); coding-DNA position 4072, C replaced by A.
Protein change: p.Pro1358Thr; replaces proline 1358 with threonine.
Molecular consequence: missense variant.
Genome position (GRCh38, 1-based): chr17:31,249,081, C>A. VCF-style: chr17-31249081-C-A. GRCh37 (hg19) VCF-style: chr17-29576099-C-A.
Other names: c.4072C>A, p.Pro1358Thr (NM_000267.4); short protein forms P1358T.
Identifiers: ClinVar variation 1737565 (VCV001737565.3), dbSNP rs1555617359, ClinGen allele CA398995025.

ClinVar aggregate classification (germline): Uncertain significance (1 of 4 stars; one submission).

Conditions:
Hereditary cancer-predisposing syndrome. Also called: Neoplastic Syndromes, Hereditary; Tumor predisposition; Hereditary Cancer Syndrome; Hereditary neoplastic syndrome. Identifiers: Orphanet 140162, MedGen C0027672, MeSH D009386, MONDO:0015356.
Cardiovascular phenotype. Identifiers: MedGen CN230736.

gnomAD v4.1: 1 of 1,614,026 alleles (0.000062%); no homozygotes.

Submission:

Ambry Genetics
Classification: Uncertain significance for Cardiovascular phenotype; Hereditary cancer-predisposing syndrome. Last evaluated: 2025-05-10. Review status: criteria provided, single submitter. Criteria: Ambry Variant Classification Scheme 2023. Collection method: clinical testing. Allele origin: germline.
Comment: The p.P1358T variant (also known as c.4072C>A), located in coding exon 30 of the NF1 gene, results from a C to A substitution at nucleotide position 4072. The proline at codon 1358 is replaced by threonine, an amino acid with highly similar properties. This amino acid position is highly conserved in available vertebrate species. In addition, this alteration is predicted to be deleterious by in silico analysis. Since supporting evidence is limited at this time, the clinical significance of this alteration remains unclear.